The following is an entry in ClinVar:

NM_001267550.2(TTN):c.65410T>C (p.Trp21804Arg)

Genes: TTN (titin; minus strand), TTN-AS1 (TTN antisense RNA 1; plus strand). Cytogenetic location: 2q31.2.
Variant type: single nucleotide variant.
Coding change: c.65410T>C on transcript NM_001267550.2 (MANE Select); coding-DNA position 65410, T replaced by C.
Protein change: p.Trp21804Arg; replaces tryptophan 21804 with arginine.
Molecular consequence: missense variant. On other transcripts: non-coding transcript variant (1).
Genome position (GRCh38, 1-based): chr2:178,583,772, A>G on the plus strand (T>C on the coding strand, the complement: TTN is on the minus strand). VCF-style: chr2-178583772-A-G. GRCh37 (hg19) VCF-style: chr2-179448499-A-G.
Other names: c.60487T>C, p.Trp20163Arg (NM_001256850.1); c.38215T>C, p.Trp12739Arg (NM_003319.4); c.57706T>C, p.Trp19236Arg (NM_133378.4); c.38590T>C, p.Trp12864Arg (NM_133432.3); c.38791T>C, p.Trp12931Arg (NM_133437.4); short protein forms W19236R, W21804R, W12739R, W12931R, W12864R, W20163R.
Identifiers: ClinVar variation 332806 (VCV000332806.11), dbSNP rs745626132, ClinGen allele CA1991706.

ClinVar aggregate classification (germline): Conflicting classifications of pathogenicity. Review status: criteria provided, conflicting classifications (1 of 4 stars). 9 submissions from 5 submitters: Uncertain significance (7); Benign (2). Last evaluated 2024-03-21.

Conditions:
Cardiovascular phenotype. Identifiers: MedGen CN230736.
Dilated cardiomyopathy 1G (CMD1G). Identifiers: Orphanet 154, MedGen C1858763, MONDO:0011400, OMIM 604145.
Autosomal recessive limb-girdle muscular dystrophy type 2J (LGMDR10). Also called: MUSCULAR DYSTROPHY, LIMB-GIRDLE, AUTOSOMAL RECESSIVE 10; Limb-girdle muscular dystrophy, type 2J. Identifiers: Orphanet 140922, MedGen C1837342, MONDO:0012127, OMIM 608807.
Hypertrophic cardiomyopathy 9. Also called: Familial hypertrophic cardiomyopathy 9. Identifiers: MedGen C1861065, MONDO:0013412, OMIM 613765.
Early-onset myopathy with fatal cardiomyopathy (CMYO5). Also called: CONGENITAL MYOPATHY 5 WITH CARDIOMYOPATHY; Salih Myopathy. Identifiers: Orphanet 289377, MedGen C2673677, MONDO:0012714, OMIM 611705. Disease mechanism: loss of function.
Myopathy, myofibrillar, 9, with early respiratory failure (MFM9). Also called: Myopathy, distal, with early respiratory failure, autosomal dominant; Hereditary myopathy with early respiratory failure; EDSTROM MYOPATHY; MYOPATHY, PROXIMAL, WITH EARLY RESPIRATORY MUSCLE INVOLVEMENT. Identifiers: Orphanet 178464, Orphanet 34521, MedGen C1863599, MONDO:0011362, OMIM 603689.
Tibial muscular dystrophy (TMD). Also called: Udd Distal Myopathy – Tibial Muscular Dystrophy; UDD MYOPATHY; Tibial muscular dystrophy, tardive. Identifiers: Orphanet 609, MedGen C1838244, MONDO:0010870, OMIM 600334.

Allele frequency attached by ClinVar (database versions not stated): gnomAD 0.00001; ExAC 0.00003; gnomAD exomes 0.00003.
gnomAD v4.1: 22 of 1,611,246 alleles (0.0014%); highest among the groups gnomAD compares: East Asian, 0.049%; no homozygotes.

Submissions (9):

Clinical Genomics Laboratory, Washington University in St. Louis
Classification: Uncertain significance for Dilated cardiomyopathy 1G. Last evaluated: 2024-03-21. Review status: criteria provided, single submitter. Criteria: ACMG Guidelines, 2015. Collection method: clinical testing. Allele origin: germline.
Comment: A TTN c.65410T>C (p.Trp21804Arg) variant was identified. This variant, to our knowledge, has not been reported in the literature in individuals with TTN-related conditions. This variant has been reported in the ClinVar database as a germline variant with conflicting classifications (uncertain, benign; ClinVar Variation ID: 332806). This variant is observed on 7/244,666 variants in the general population (gnomAD v2.1.1). The highest population minor allele frequency in gnomAD (v2.1.1) is 0.04002% in the East Asian population. Computational predictors indicate that the variant is damaging, evidence that correlates with impact to TTN function. Due to limited information, and based on ACMG/AMP guidelines for variant interpretation (Richards S et al., PMID: 25741868), the clinical significance of the TTN c.65410T>C (p.Trp21804Arg) variant is uncertain at this time.

New York Genome Center
Classification: Uncertain significance for Dilated cardiomyopathy 1G; Hypertrophic cardiomyopathy 9. Last evaluated: 2023-01-23. Review status: criteria provided, single submitter. Criteria: NYGC Assertion Criteria 2020. Collection method: clinical testing. Allele origin: germline. Observed: 1 heterozygote.

Ambry Genetics
Classification: Uncertain significance for Cardiovascular phenotype. Last evaluated: 2018-06-18. Review status: criteria provided, single submitter. Criteria: Ambry Variant Classification Scheme 2023. Collection method: clinical testing. Allele origin: germline.
Comment: The p.W12739R variant (also known as c.38215T>C), located in coding exon 139 of the TTN gene, results from a T to C substitution at nucleotide position 38215. The tryptophan at codon 12739 is replaced by arginine, an amino acid with dissimilar properties. This amino acid position is highly conserved in available vertebrate species. In addition, the in silico prediction for this alteration is inconclusive. Since supporting evidence is limited at this time, the clinical significance of this alteration remains unclear.

Illumina Laboratory Services, Illumina
Classification: Uncertain significance for Dilated cardiomyopathy 1G. Last evaluated: 2018-01-13. Review status: criteria provided, single submitter. Criteria: ICSL Variant Classification Criteria 13 December 2019. Collection method: clinical testing. Allele origin: germline.

Illumina Laboratory Services, Illumina
Classification: Uncertain significance for Early-onset myopathy with fatal cardiomyopathy. Last evaluated: 2018-01-13. Review status: criteria provided, single submitter. Criteria: ICSL Variant Classification Criteria 13 December 2019. Collection method: clinical testing. Allele origin: germline.

Illumina Laboratory Services, Illumina
Classification: Uncertain significance for Autosomal recessive limb-girdle muscular dystrophy type 2J. Last evaluated: 2018-01-13. Review status: criteria provided, single submitter. Criteria: ICSL Variant Classification Criteria 13 December 2019. Collection method: clinical testing. Allele origin: germline.

Illumina Laboratory Services, Illumina
Classification: Benign for Myopathy, myofibrillar, 9, with early respiratory failure. Last evaluated: 2018-01-13. Review status: criteria provided, single submitter. Criteria: ICSL Variant Classification Criteria 13 December 2019. Collection method: clinical testing. Allele origin: germline.
Comment: This variant was observed in the ICSL laboratory as part of a predisposition screen in an ostensibly healthy population. It had not been previously curated by ICSL or reported in the Human Gene Mutation Database (HGMD: prior to June 1st, 2018), and was therefore a candidate for classification through an automated scoring system. Utilizing variant allele frequency, disease prevalence and penetrance estimates, and inheritance mode, an automated score was calculated to assess if this variant is too frequent to cause the disease. Based on the score and internal cut-off values, a variant classified as benign is not then subjected to further curation. The score for this variant resulted in a classification of benign for this disease.

Illumina Laboratory Services, Illumina
Classification: Benign for Tibial muscular dystrophy. Last evaluated: 2018-01-13. Review status: criteria provided, single submitter. Criteria: ICSL Variant Classification Criteria 13 December 2019. Collection method: clinical testing. Allele origin: germline.
Comment: the same text as in the submission from Illumina Laboratory Services, Illumina above.

Labcorp Genetics (formerly Invitae), Labcorp
Classification: Uncertain significance for Dilated cardiomyopathy 1G; Autosomal recessive limb-girdle muscular dystrophy type 2J. Last evaluated: 2017-11-27. Review status: criteria provided, single submitter. Criteria: Invitae Variant Classification Sherloc (09022015). Collection method: clinical testing. Allele origin: germline.